The following is an entry in ClinVar:

ClinVar aggregate classification (germline): Likely benign (1 of 4 stars; one submission).

Allele frequency attached by ClinVar (database versions not stated): gnomAD exomes 0.00004; ExAC 0.00008; gnomAD 0.00015; 1000 Genomes Project 0.00040; 1000 Genomes Project 30x 0.00047.

Submission:

CeGaT Center for Human Genetics Tuebingen
Classification: Likely benign. Last evaluated: 2023-11-01. Review status: criteria provided, single submitter. Criteria: CeGaT Center For Human Genetics Tuebingen Variant Classification Criteria Version 2. Collection method: clinical testing. Allele origin: germline. Affected: yes. Observed: 1 variant allele.
Comment: CFAP54: BP4

NM_001306084.2(CFAP54):c.4539G>C (p.Met1513Ile)

Gene: CFAP54 (cilia and flagella associated protein 54; plus strand). Cytogenetic location: 12q23.1.
Variant type: single nucleotide variant.
Coding change: c.4539G>C on transcript NM_001306084.2 (MANE Select); coding-DNA position 4539, G replaced by C.
Protein change: p.Met1513Ile; replaces methionine 1513 with isoleucine.
Molecular consequence: missense variant.
Genome position (GRCh38, 1-based): chr12:96,644,400, G>C. VCF-style: chr12-96644400-G-C. GRCh37 (hg19) VCF-style: chr12-97038178-G-C.
Other names: c.4539G>C, p.Met1513Ile (NM_001367885.1); short protein forms M1513I.
Identifiers: ClinVar variation 2672516 (VCV002672516.23), dbSNP rs547525777, ClinGen allele CA6730044.